The following is an entry in ClinVar:

ClinVar aggregate classification (germline): Likely pathogenic (1 of 4 stars; one submission).

Conditions:
USH1C-related disorder. Also called: USH1C-related condition.

Submission:

Kasturba Medical College, Manipal, Kasturba Medical College, Manipal, Manipal Academy of Higher Education, Manipal, India
Classification: Likely pathogenic for USH1C-related disorders. Review status: criteria provided, single submitter. Criteria: ACMG Guidelines, 2015. Collection method: research. Allele origin: germline. Inheritance: Autosomal recessive inheritance. Affected: no. Observed: 1 heterozygote.
Comment: This variant is not reported in the gnomAD (v4.1.0) population database and our in-house exome data of 3274 individuals.

NM_153676.4(USH1C):c.2535del (p.Glu844_Tyr845insTer)

Gene: USH1C (USH1 protein network component harmonin; minus strand). Cytogenetic location: 11p15.1.
Variant type: Deletion.
Coding change: c.2535del on transcript NM_153676.4 (MANE Select); coding-DNA position 2535, one base deleted (T; older notation c.2535delT).
Protein change: p.Glu844_Tyr845insTer.
Molecular consequence: nonsense. On other transcripts: non-coding transcript variant (1).
Genome position (GRCh38, 1-based): chr11:17,496,769, A deleted on the plus strand (T on the coding strand, the reverse complement: USH1C is on the minus strand). VCF-style (leftmost placement, unchanged base first): chr11-17496768-CA-C. GRCh37 (hg19) VCF-style: chr11-17518315-CA-C.
Other names: c.1578del, p.Glu525_Tyr526insTer (NM_001297764.2); c.1635del, p.Glu544_Tyr545insTer (NM_005709.4).
Identifiers: ClinVar variation 3393450 (VCV003393450.2).